The following is an entry in ClinVar:

NM_001013838.3(CARMIL2):c.2614A>G (p.Thr872Ala)

Gene: CARMIL2 (capping protein regulator and myosin 1 linker 2; plus strand). Cytogenetic location: 16q22.1.
Variant type: single nucleotide variant.
Coding change: c.2614A>G on transcript NM_001013838.3 (MANE Select); coding-DNA position 2614, A replaced by G.
Protein change: p.Thr872Ala; replaces threonine 872 with alanine.
Molecular consequence: missense variant.
Genome position (GRCh38, 1-based): chr16:67,651,946, A>G. VCF-style: chr16-67651946-A-G. GRCh37 (hg19) VCF-style: chr16-67685849-A-G.
Other names: c.2506A>G, p.Thr836Ala (NM_001317026.3); short protein forms T872A, T836A.
Identifiers: ClinVar variation 1999944 (VCV001999944.4), dbSNP rs2543564263, ClinGen allele CA396341919.

ClinVar aggregate classification (germline): Uncertain significance (1 of 4 stars; one submission).

Submission:

Labcorp Genetics (formerly Invitae), Labcorp
Classification: Uncertain significance. Last evaluated: 2022-05-28. Review status: criteria provided, single submitter. Criteria: Invitae Variant Classification Sherloc (09022015). Collection method: clinical testing. Allele origin: germline.
Comment: In summary, the available evidence is currently insufficient to determine the role of this variant in disease. Therefore, it has been classified as a Variant of Uncertain Significance. Algorithms developed to predict the effect of missense changes on protein structure and function output the following: SIFT: "Deleterious"; PolyPhen-2: "Benign"; Align-GVGD: "Class C0". The alanine amino acid residue is found in multiple mammalian species, which suggests that this missense change does not adversely affect protein function. This variant has not been reported in the literature in individuals affected with CARMIL2-related conditions. This variant is not present in population databases (gnomAD no frequency). This sequence change replaces threonine, which is neutral and polar, with alanine, which is neutral and non-polar, at codon 872 of the CARMIL2 protein (p.Thr872Ala).